The following is an entry in ClinVar:

NM_000444.6(PHEX):c.961_968dup (p.Asp323fs)

Gene: PHEX (phosphate regulating endopeptidase X-linked; plus strand). Cytogenetic location: Xp22.11.
Variant type: Duplication.
Coding change: c.961_968dup on transcript NM_000444.6 (MANE Select); coding-DNA positions 961 to 968, 8 bases duplicated (GTCATTGA; older notation c.961_968dupGTCATTGA).
Protein change: p.Asp323fs; shifts the reading frame from aspartic acid 323.
Molecular consequence: frameshift variant.
Genome position (GRCh38, 1-based): chrX:22,099,033-22,099,040, GTCATTGA duplicated. VCF-style (leftmost placement, unchanged base first): chrX-22099032-G-GGTCATTGA. GRCh37 (hg19) VCF-style: chrX-22117150-G-GGTCATTGA.
Other names: c.961_968dup, p.Asp323fs (NM_001282754.2); short protein forms D323fs.
Identifiers: ClinVar variation 2846329 (VCV002846329.3), dbSNP rs2519779683, ClinGen allele CA2739268137.

ClinVar aggregate classification (germline): Pathogenic (1 of 4 stars; one submission).

Submission:

Labcorp Genetics (formerly Invitae), Labcorp
Classification: Pathogenic. Last evaluated: 2023-03-16. Review status: criteria provided, single submitter. Criteria: Invitae Variant Classification Sherloc (09022015). Collection method: clinical testing. Allele origin: germline.
Comment: This sequence change creates a premature translational stop signal (p.Asp323Glufs*11) in the PHEX gene. It is expected to result in an absent or disrupted protein product. Loss-of-function variants in PHEX are known to be pathogenic (PMID: 9097956, 9106524, 19219621). This variant is not present in population databases (gnomAD no frequency). This variant has not been reported in the literature in individuals affected with PHEX-related conditions. For these reasons, this variant has been classified as Pathogenic.

Literature cited by the submitters: PubMed 9097956; PubMed 9106524; PubMed 19219621.